The following is an entry in ClinVar:

NM_016653.3(MAP3K20):c.2147G>A (p.Arg716Lys)

Genes: MAP3K20 (mitogen-activated protein kinase kinase kinase 20; plus strand), MAP3K20-AS1 (MAP3K20 antisense RNA 1; minus strand). Cytogenetic location: 2q31.1.
Variant type: single nucleotide variant.
Coding change: c.2147G>A on transcript NM_016653.3 (MANE Select); coding-DNA position 2147, G replaced by A.
Protein change: p.Arg716Lys; replaces arginine 716 with lysine.
Molecular consequence: missense variant.
Genome position (GRCh38, 1-based): chr2:173,266,494, G>A. VCF-style: chr2-173266494-G-A. GRCh37 (hg19) VCF-style: chr2-174131222-G-A.
Other names: p.Arg716Lys; short protein forms R716K.
Identifiers: ClinVar variation 1592314 (VCV001592314.9), dbSNP rs80325830, ClinGen allele CA1971043.

ClinVar aggregate classification (germline): Benign. Review status: criteria provided, multiple submitters, no conflicts (2 of 4 stars). 2 submissions from 2 submitters: Benign (2). Last evaluated 2026-02-03.

Allele frequency attached by ClinVar (database versions not stated): gnomAD exomes 0.00050 and 0.00117; ExAC 0.00126; gnomAD 0.00390 and 0.00424; 1000 Genomes Project 30x 0.00406; ESP Exome Variant Server 0.00425; 1000 Genomes Project 0.00439; TOPMed 0.00461.
gnomAD v4.1: 1,357 of 1,614,126 alleles (0.084%); highest among the groups gnomAD compares: African/African-American, 1.3%; 8 homozygotes.

Submissions (2):

Labcorp Genetics (formerly Invitae), Labcorp
Classification: Benign. Last evaluated: 2026-02-03. Review status: criteria provided, single submitter. Criteria: Invitae Variant Classification Sherloc (09022015). Collection method: clinical testing. Allele origin: germline.

Mayo Clinic Laboratories, Mayo Clinic
Classification: Benign. Last evaluated: 2025-06-16. Review status: criteria provided, single submitter. Criteria: ACMG Guidelines, 2015. Collection method: clinical testing. Allele origin: germline. Observed: 1 variant allele.
Comment: BS1, BS2, BP4